The following is an entry in ClinVar:

NM_024593.4(CLXN):c.367G>T (p.Glu123Ter)

Gene: CLXN (calaxin; minus strand). Cytogenetic location: 8q11.21.
Variant type: single nucleotide variant.
Coding change: c.367G>T on transcript NM_024593.4 (MANE Select); coding-DNA position 367, G replaced by T.
Protein change: p.Glu123Ter; replaces glutamic acid 123 with a stop codon.
Molecular consequence: nonsense. On other transcripts: non-coding transcript variant (2).
Genome position (GRCh38, 1-based): chr8:48,729,824, C>A on the plus strand (G>T on the coding strand, the complement: CLXN is on the minus strand). VCF-style: chr8-48729824-C-A. GRCh37 (hg19) VCF-style: chr8-49642383-C-A.
Other names: c.211G>T, p.Glu71Ter (NM_001142857.2, NM_001363973.3, NM_001363974.2); short protein forms E123*, E71*.
Identifiers: ClinVar variation 2664149 (VCV002664149.2), dbSNP rs1803178017, ClinGen allele CA371181901.
Genomic context (GRCh38, chr8:48,729,824, plus strand): 5'-CAGGGTCTTCCTCAGATGGCTGTTTGAGAAGGCTGTTCTTCAACATGTGAAACATTTCCT[C>A]CTTTGAAATGAATCCGTCACCATTCAAATCAAACACTTCAAAGCAATCTTTTTAAGAAAA-3'

ClinVar aggregate classification (germline): Likely pathogenic. Review status: criteria provided, single submitter (1 of 4 stars). 2 submissions from 2 submitters: Likely pathogenic (1). 1 of the submissions does not count toward it. Last evaluated 2024-03-03.

Conditions:
Ciliary dyskinesia, primary, 53 (CILD53). Identifiers: MedGen C5882728, MONDO:0957991, OMIM 620642.

Submissions (2):

SIB Swiss Institute of Bioinformatics
Classification: Likely pathogenic for Ciliary dyskinesia, primary, 53. Last evaluated: 2024-03-03. Review status: criteria provided, single submitter. Criteria: ACMG Guidelines, 2015. Collection method: curation. Allele origin: unknown. Affected: yes.
Comment: This variant is interpreted for Ciliary dyskinesia, primary, 53, autosomal recessive. The following ACMG Tag(s) were applied: Absent from controls (or at extremely low frequency if recessive) in gnomAD (PM2). Protein length changes as a result of in-frame deletions/insertions in a nonrepeat region or stop-loss variants (PM4). Affects critical and well-established functional domain (PM1).

OMIM
Classification: Pathogenic for CILIARY DYSKINESIA, PRIMARY, 53. Last evaluated: 2023-12-01. Review status: no assertion criteria provided. Collection method: literature only. Allele origin: germline. Not counted in ClinVar's aggregate classification.

Literature cited by the submitters: PubMed 36727596 (cited by SIB Swiss Institute of Bioinformatics and OMIM).